The following is an entry in ClinVar:

ClinVar aggregate classification (germline): Likely pathogenic. Review status: criteria provided, single submitter (1 of 4 stars). 3 submissions from 3 submitters: Likely pathogenic (1). 2 of the submissions do not count toward it. Last evaluated 2019-06-07.

Conditions:
Situs inversus. Also called: Situs inversus totalis. Identifiers: Orphanet 101063, MedGen C4551493, MONDO:0010029, HP:0001696.
Heterotaxy, visceral, 9, autosomal, with male infertility. Identifiers: MedGen C5394551, MONDO:0030070, OMIM 618948.
MNS1-related disorder. Also called: MNS1-related condition.

Submissions (3):

New Leaf Center
Classification: Likely pathogenic for Situs inversus. Last evaluated: 2019-06-07. Review status: criteria provided, single submitter. Criteria: ACMG Guidelines, 2015. Collection method: research. Allele origin: inherited. Inheritance: Autosomal recessive inheritance. Affected: yes. Observed: 1 homozygote.

PreventionGenetics, part of Exact Sciences
Classification: Likely pathogenic for MNS1-related condition. Last evaluated: 2024-06-01. Review status: no assertion criteria provided. Collection method: clinical testing. Allele origin: germline. Not counted in ClinVar's aggregate classification.
Comment: The MNS1 c.407_410delAAAG variant is predicted to result in a frameshift and premature protein termination (p.Glu136Glyfs*16). This variant was reported to segregate with situs inversus & male infertility in an Amish family (Leslie et al 2020. PubMed ID: 31534215). This variant has not been reported in a large population database, indicating this variant is rare. Frameshift variants in MNS1 are expected to be pathogenic. This variant is interpreted as likely pathogenic.

OMIM
Classification: Pathogenic for HETEROTAXY, VISCERAL, 9, AUTOSOMAL, WITH MALE INFERTILITY. Last evaluated: 2020-08-28. Review status: no assertion criteria provided. Collection method: literature only. Allele origin: germline. Not counted in ClinVar's aggregate classification.

Literature cited by the submitters: PubMed 31534215 (cited by OMIM).

NM_018365.4(MNS1):c.407_410del (p.Glu136fs)

Genes: MNS1 (meiosis specific nuclear structural 1; minus strand), TEX9 (testis expressed 9; plus strand). Cytogenetic location: 15q21.3.
Variant type: Microsatellite.
Coding change: c.407_410del on transcript NM_018365.4 (MANE Select); coding-DNA positions 407 to 410, 4 bases deleted (AAAG; older notation c.407_410delAAAG).
Protein change: p.Glu136fs; shifts the reading frame from glutamic acid 136.
Molecular consequence: frameshift variant.
Genome position (GRCh38, 1-based): chr15:56,446,887-56,446,890, CTTT deleted on the plus strand (AAAG on the coding strand, the reverse complement: MNS1 is on the minus strand); deleting any 4 consecutive bases within chr15:56,446,887-56,446,894 gives the same sequence; the c. name uses the placement nearest the transcript's 3' end. VCF-style (leftmost placement, unchanged base first): chr15-56446886-CCTTT-C. GRCh37 (hg19) VCF-style: chr15-56739084-CCTTT-C.
Other names: c.407_410delAAAG (NM_018365.2); short protein forms E136fs.
Identifiers: ClinVar variation 635005 (VCV000635005.5), dbSNP rs1596264554, ClinGen allele CA490454268.